The following is an entry in ClinVar:

ClinVar aggregate classification (germline): Pathogenic (1 of 4 stars; one submission).

Conditions:
Symphalangism-brachydactyly syndrome (SYNS1). Also called: WL SYNDROME; Multiple synostoses syndrome 1; FACIOAUDIOSYMPHALANGISM SYNDROME; DEAFNESS-SYMPHALANGISM SYNDROME OF HERRMANN. Identifiers: Orphanet 3237, MedGen C0342282, MONDO:0008519, OMIM 186500.

Submission:

Women's Health and Genetics/Laboratory Corporation of America, LabCorp
Classification: Pathogenic for Symphalangism-brachydactyly syndrome. Last evaluated: 2024-12-24. Review status: criteria provided, single submitter. Criteria: LabCorp Variant Classification Summary - May 2015. Collection method: clinical testing. Allele origin: germline.
Comment: Variant summary: NOG c.461delT (p.Phe154SerfsX20) results in a premature termination codon, predicted to cause a truncation of the encoded protein. Variants downstream of this position have been classified as pathogenic by our laboratory and in ClinVar (c.615G>C p.Trp205Cys: PATH/ClinVar). The variant was absent in 249364 control chromosomes. To our knowledge, no occurrence of c.461delT in individuals affected with Symphalangism-Brachydactyly Syndrome and no experimental evidence demonstrating its impact on protein function have been reported. No submitters have cited clinical-significance assessments for this variant to ClinVar. Based on the evidence outlined above, the variant was classified as pathogenic.

NM_005450.6(NOG):c.461del (p.Phe154fs)

Gene: NOG (noggin; plus strand). Cytogenetic location: 17q22.
Variant type: Deletion.
Coding change: c.461del on transcript NM_005450.6 (MANE Select); coding-DNA position 461, one base deleted (T; older notation c.461delT).
Protein change: p.Phe154fs; shifts the reading frame from phenylalanine 154.
Molecular consequence: frameshift variant.
Genome position (GRCh38, 1-based): chr17:56,594,684, T deleted; the last of 2 consecutive T bases (chr17:56,594,683-56,594,684); deleting either gives the same sequence. VCF-style (leftmost placement, unchanged base first): chr17-56594682-AT-A. GRCh37 (hg19) VCF-style: chr17-54672043-AT-A.
Other names: c.461delT (NM_005450.6); short protein forms F154fs.
Identifiers: ClinVar variation 3768446 (VCV003768446.1).
Genomic context (GRCh38, chr17:56,594,682, plus strand): 5'-GAAGCAGCGCCTAAGCAAGAAGCTGCGGAGGAAGTTACAGATGTGGCTGTGGTCGCAGAC[AT>A]TCTGCCCCGTGCTGTACGCGTGGAACGACCTGGGCAGCCGCTTTTGGCCGCGCTACGTGA-3'